The following is an entry in ClinVar:

ClinVar aggregate classification (germline): Uncertain significance (1 of 4 stars; one submission).

Conditions:
Primary familial hypertrophic cardiomyopathy (HCM). Identifiers: Orphanet 99739, MedGen C0949658, MeSH D024741, MONDO:0024573. Inheritance: Various modes of inheritance.
Dilated cardiomyopathy 1AA (CMD1AA). Also called: Cardiomyopathy, dilated, 1AA, with or without LVNC; CARDIOMYOPATHY, DILATED, 1AA, WITH OR WITHOUT LEFT VENTRICULAR NONCOMPACTION; CARDIOMYOPATHY, FAMILIAL HYPERTROPHIC, 23, WITH OR WITHOUT LEFT VENTRICULAR NONCOMPACTION. Identifiers: Orphanet 154, MedGen C2677338, MONDO:0012808, OMIM 612158.

Submission:

Labcorp Genetics (formerly Invitae), Labcorp
Classification: Uncertain significance for Primary familial hypertrophic cardiomyopathy; Dilated cardiomyopathy 1AA. Last evaluated: 2022-09-06. Review status: criteria provided, single submitter. Criteria: Invitae Variant Classification Sherloc (09022015). Collection method: clinical testing. Allele origin: germline.
Comment: This sequence change falls in intron 11 of the ACTN2 gene. It does not directly change the encoded amino acid sequence of the ACTN2 protein. It affects a nucleotide within the consensus splice site. This variant is not present in population databases (gnomAD no frequency). This variant has not been reported in the literature in individuals affected with ACTN2-related conditions. Variants that disrupt the consensus splice site are a relatively common cause of aberrant splicing (PMID: 17576681, 9536098). Algorithms developed to predict the effect of sequence changes on RNA splicing suggest that this variant may disrupt the consensus splice site. In summary, the available evidence is currently insufficient to determine the role of this variant in disease. Therefore, it has been classified as a Variant of Uncertain Significance.

Literature cited by the submitters: PubMed 17576681; PubMed 9536098.

NM_001103.4(ACTN2):c.1255+5G>T

Gene: ACTN2 (actinin alpha 2; plus strand). Cytogenetic location: 1q43.
Variant type: single nucleotide variant.
Coding change: c.1255+5G>T on transcript NM_001103.4 (MANE Select); 5 bases into the intron after coding-DNA position 1255, G replaced by T.
Molecular consequence: intron variant.
Genome position (GRCh38, 1-based): chr1:236,743,048, G>T. VCF-style: chr1-236743048-G-T. GRCh37 (hg19) VCF-style: chr1-236906348-G-T.
Other names: c.631+5G>T (NM_001278344.2); c.1255+5G>T (NM_001278343.2).
Identifiers: ClinVar variation 2006389 (VCV002006389.4), dbSNP rs2527609849, ClinGen allele CA2574162179.